The following is an entry in ClinVar:

NM_007215.4(POLG2):c.1267T>G (p.Ser423Ala)

Genes: MILR1 (mast cell immunoglobulin like receptor 1; plus strand), POLG2 (DNA polymerase gamma 2, accessory subunit; minus strand). Cytogenetic location: 17q23.3.
Variant type: single nucleotide variant.
Coding change: c.1267T>G on transcript NM_007215.4 (MANE Select); coding-DNA position 1267, T replaced by G.
Protein change: p.Ser423Ala; replaces serine 423 with alanine.
Molecular consequence: missense variant.
Genome position (GRCh38, 1-based): chr17:64,480,314, A>C on the plus strand (T>G on the coding strand, the complement: POLG2 is on the minus strand). VCF-style: chr17-64480314-A-C. GRCh37 (hg19) VCF-style: chr17-62476431-A-C.
Other names: p.Ser423Ala; short protein forms S423A.
Identifiers: ClinVar variation 1440749 (VCV001440749.9), dbSNP rs782335845, ClinGen allele CA322397.

ClinVar aggregate classification (germline): Uncertain significance. Review status: criteria provided, multiple submitters, no conflicts (2 of 4 stars). 3 submissions from 3 submitters: Uncertain significance (3). Last evaluated 2026-01-09.

Allele frequency attached by ClinVar (database versions not stated): gnomAD 0.00001; ExAC 0.00003; TOPMed 0.00003; gnomAD exomes 0.00004.
gnomAD v4.1: 11 of 1,579,672 alleles (0.0007%); highest among the groups gnomAD compares: Admixed American, 0.017%; no homozygotes.

Submissions (3):

Labcorp Genetics (formerly Invitae), Labcorp
Classification: Uncertain significance. Last evaluated: 2026-01-09. Review status: criteria provided, single submitter. Criteria: Invitae Variant Classification Sherloc (09022015). Collection method: clinical testing. Allele origin: germline.
Comment: This sequence change replaces serine, which is neutral and polar, with alanine, which is neutral and non-polar, at codon 423 of the POLG2 protein (p.Ser423Ala). This variant is present in population databases (rs782335845, gnomAD 0.03%). This variant has not been reported in the literature in individuals affected with POLG2-related conditions. ClinVar contains an entry for this variant (Variation ID: 1440749). An algorithm developed to predict the effect of missense changes on protein structure and function (PolyPhen-2) suggests that this variant is likely to be tolerated. In summary, the available evidence is currently insufficient to determine the role of this variant in disease. Therefore, it has been classified as a Variant of Uncertain Significance.

Ambry Genetics
Classification: Uncertain significance. Last evaluated: 2025-08-14. Review status: criteria provided, single submitter. Criteria: Ambry Variant Classification Scheme 2023. Collection method: clinical testing. Allele origin: germline.

Mayo Clinic Laboratories, Mayo Clinic
Classification: Uncertain significance. Last evaluated: 2023-09-14. Review status: criteria provided, single submitter. Criteria: ACMG Guidelines, 2015. Collection method: clinical testing. Allele origin: germline. Observed: 2 variant alleles.